The following is an entry in ClinVar:

ClinVar aggregate classification (germline): Benign/Likely benign. Review status: criteria provided, multiple submitters, no conflicts (2 of 4 stars). 4 submissions from 4 submitters: Benign (1); Likely benign (2). 1 of the submissions does not count toward it. Last evaluated 2025-12-26.

Conditions:
Intellectual developmental disorder, autosomal recessive 3. Also called: Intellectual disability, autosomal recessive 3. Identifiers: Orphanet 88616, MedGen C1838023, MONDO:0012037, OMIM 608443.
CC2D1A-related disorder. Also called: CC2D1A-related condition.
Inborn genetic diseases. Identifiers: MedGen C0950123, MeSH D030342.

Allele frequency attached by ClinVar (database versions not stated): gnomAD 0.00054 and 0.00060; ESP Exome Variant Server 0.00058; TOPMed 0.00072; gnomAD exomes 0.00021 and 0.00006; ExAC 0.00032; 1000 Genomes Project 0.00100; 1000 Genomes Project 30x 0.00125.
gnomAD v4.1: 170 of 1,610,346 alleles (0.011%); highest among the groups gnomAD compares: African/African-American, 0.2%; 1 homozygote.

Submissions (4):

Labcorp Genetics (formerly Invitae), Labcorp
Classification: Benign. Last evaluated: 2025-12-26. Review status: criteria provided, single submitter. Criteria: Invitae Variant Classification Sherloc (09022015). Collection method: clinical testing. Allele origin: germline.

Daryl Scott Lab, Baylor College of Medicine
Classification: Likely benign for Intellectual developmental disorder, autosomal recessive 3. Last evaluated: 2022-08-22. Review status: criteria provided, single submitter. Criteria: ACMG Guidelines, 2015. Collection method: clinical testing. Allele origin: unknown. Observed: 1 variant allele, 1 heterozygote.

Ambry Genetics
Classification: Likely benign for Inborn genetic diseases. Last evaluated: 2021-11-08. Review status: criteria provided, single submitter. Criteria: Ambry Variant Classification Scheme 2023. Collection method: clinical testing. Allele origin: germline.

PreventionGenetics, part of Exact Sciences
Classification: Likely benign for CC2D1A-related condition. Last evaluated: 2024-01-17. Review status: no assertion criteria provided. Collection method: clinical testing. Allele origin: germline. Not counted in ClinVar's aggregate classification.
Comment: This variant is classified as likely benign based on ACMG/AMP sequence variant interpretation guidelines (Richards et al. 2015 PMID: 25741868, with internal and published modifications).

Literature cited by the submitters: PubMed 36135330 (cited by Daryl Scott Lab, Baylor College of Medicine).

NM_017721.5(CC2D1A):c.1399C>G (p.Pro467Ala)

Gene: CC2D1A (coiled-coil and C2 domain containing 1A; plus strand). Cytogenetic location: 19p13.12.
Variant type: single nucleotide variant.
Coding change: c.1399C>G on transcript NM_017721.5 (MANE Select); coding-DNA position 1399, C replaced by G.
Protein change: p.Pro467Ala; replaces proline 467 with alanine.
Molecular consequence: missense variant.
Genome position (GRCh38, 1-based): chr19:13,920,599, C>G. VCF-style: chr19-13920599-C-G. GRCh37 (hg19) VCF-style: chr19-14031412-C-G.
Other names: short protein forms P467A.
Identifiers: ClinVar variation 714883 (VCV000714883.11), dbSNP rs199717745, ClinGen allele CA9244662.
Genomic context (GRCh38, chr19:13,920,599, plus strand): 5'-CTCTCTCTTCCTCTACAGCAGAACAGCCCTGTGGCCCCCACAGCCCAGCCCAAAGCCCCA[C>G]CCTCAAGAACTCCCCAGTCGGGATCAGCCCCAACAGCCAAAGCGCCCCCCAAAGCCACAT-3'
Protein context (NP_060191.3, residues 457-477): VAPTAQPKAP[Pro467Ala]SRTPQSGSAP